The following is an entry in ClinVar:

NC_012920.1(MT-TH):m.12164G>A

Gene: MT-TH (mitochondrially encoded tRNA histidine; plus strand).
Variant type: single nucleotide variant.
Genome position: chrM-12164-G-A.
Identifiers: ClinVar variation 690139 (VCV000690139.1), dbSNP rs1603223582, ClinGen allele CA913169551.

ClinVar aggregate classification (germline): Likely benign (1 of 4 stars; one submission).

Conditions:
MELAS syndrome (MELAS). Also called: Juvenile myopathy, encephalopathy, lactic acidosis, stroke. Identifiers: Orphanet 550, MedGen C0162671, MONDO:0010789, OMIM 540000.

Submission:

Wong Mito Lab, Molecular and Human Genetics, Baylor College of Medicine
Classification: Likely benign for MELAS syndrome. Last evaluated: 2019-07-12. Review status: criteria provided, single submitter. Criteria: Modified ACMG Guidelines (Unpublished). Collection method: clinical testing. Allele origin: germline.
Comment: The NC_012920.1:m.12164G>A variant in MT-TH gene is interpreted to be a Likely Benign variant based on the modified ACMG guidelines (unpublished). This variant meets the following evidence codes reported in the guidelines: BS1, BP4

Literature cited by the submitters: PubMed 31965079.